The following is an entry in ClinVar:

ClinVar aggregate classification (germline): Uncertain significance. Review status: criteria provided, multiple submitters, no conflicts (2 of 4 stars). 3 submissions from 3 submitters: Uncertain significance (3). Last evaluated 2024-05-06.

Conditions:
Bethlem myopathy 1A. Also called: MYOPATHY, BENIGN CONGENITAL, WITH CONTRACTURES; Bethlem myopathy 1; Bethlem Muscular Dystrophy. Identifiers: Orphanet 610, MedGen CN029274, MONDO:0024530, OMIM 158810.

Submissions (3):

Labcorp Genetics (formerly Invitae), Labcorp
Classification: Uncertain significance for Bethlem myopathy 1A. Last evaluated: 2024-05-06. Review status: criteria provided, single submitter. Criteria: Invitae Variant Classification Sherloc (09022015). Collection method: clinical testing. Allele origin: germline.
Comment: This sequence change replaces serine, which is neutral and polar, with cysteine, which is neutral and slightly polar, at codon 1057 of the COL6A3 protein (p.Ser1057Cys). This variant is not present in population databases (gnomAD no frequency). This missense change has been observed in individual(s) with clinical features of limb-girdle muscular dystrophy (PMID: 30564623). ClinVar contains an entry for this variant (Variation ID: 499691). Advanced modeling of protein sequence and biophysical properties (such as structural, functional, and spatial information, amino acid conservation, physicochemical variation, residue mobility, and thermodynamic stability) performed at Invitae indicates that this missense variant is not expected to disrupt COL6A3 protein function with a negative predictive value of 80%. In summary, the available evidence is currently insufficient to determine the role of this variant in disease. Therefore, it has been classified as a Variant of Uncertain Significance.

GeneDx
Classification: Uncertain significance. Last evaluated: 2019-10-21. Review status: criteria provided, single submitter. Criteria: GeneDx Variant Classification Process June 2021. Collection method: clinical testing. Allele origin: germline. Affected: yes.
Comment: Not observed in large population cohorts (Lek et al., 2016); In silico analysis, which includes protein predictors and evolutionary conservation, supports a deleterious effect; This variant is associated with the following publications: (PMID: 30564623)

Eurofins Ntd Llc (ga)
Classification: Uncertain significance. Last evaluated: 2017-01-05. Review status: criteria provided, single submitter. Criteria: EGL Classification Definitions 2015. Collection method: clinical testing. Allele origin: germline. Observed: 1 variant allele, 1 heterozygote.

Literature cited by the submitters: PubMed 30564623 (cited by Labcorp Genetics (formerly Invitae), Labcorp).

NM_004369.4(COL6A3):c.3169A>T (p.Ser1057Cys)

Gene: COL6A3 (collagen type VI alpha 3 chain; minus strand). Cytogenetic location: 2q37.3.
Variant type: single nucleotide variant.
Coding change: c.3169A>T on transcript NM_004369.4 (MANE Select); coding-DNA position 3169, A replaced by T.
Protein change: p.Ser1057Cys; replaces serine 1057 with cysteine.
Molecular consequence: missense variant.
Genome position (GRCh38, 1-based): chr2:237,374,922, T>A on the plus strand (A>T on the coding strand, the complement: COL6A3 is on the minus strand). VCF-style: chr2-237374922-T-A. GRCh37 (hg19) VCF-style: chr2-238283565-T-A.
Other names: c.1948A>T, p.Ser650Cys (NM_057164.5); c.2551A>T, p.Ser851Cys (NM_057165.5, NM_057167.4); c.1348A>T, p.Ser450Cys (NM_057166.5); short protein forms S1057C, S650C, S450C, S851C.
Identifiers: ClinVar variation 499691 (VCV000499691.15), dbSNP rs1553560705, ClinGen allele CA351205389.